The following is an entry in ClinVar:

ClinVar aggregate classification (germline): Benign (0 of 4 stars; one submission).

Conditions:
AHNAK-related disorder. Also called: AHNAK-related condition.

Allele frequency attached by ClinVar (database versions not stated): gnomAD exomes 0.00014; 1000 Genomes Project 0.00200; 1000 Genomes Project 30x 0.00172; gnomAD 0.00023; ExAC 0.00059; TOPMed 0.00029.
gnomAD v4.1: 260 of 1,613,574 alleles (0.016%); highest among the groups gnomAD compares: East Asian, 0.51%; no homozygotes.

Submissions (2):

PreventionGenetics, part of Exact Sciences
Classification: Benign for AHNAK-related condition. Last evaluated: 2019-05-02. Review status: no assertion criteria provided. Collection method: clinical testing. Allele origin: germline.
Comment: This variant is classified as benign based on ACMG/AMP sequence variant interpretation guidelines (Richards et al. 2015 PMID: 25741868, with internal and published modifications).

Dr. Peter K. Rogan Lab, Western University
No classification provided (evidence only). Condition: Hepatocellular carcinoma. Review status: no classification provided. Collection method: in vitro. Allele origin: not applicable. Functional consequence: retained intron. Not counted in ClinVar's aggregate classification.

NM_024060.4(AHNAK):c.443G>T (p.Gly148Val)

Gene: AHNAK (AHNAK nucleoprotein; minus strand). Cytogenetic location: 11q12.3.
Variant type: single nucleotide variant.
Coding change: c.443G>T on transcript NM_024060.4; coding-DNA position 443, G replaced by T.
Protein change: p.Gly148Val; replaces glycine 148 with valine.
Molecular consequence: missense variant.
Genome position (GRCh38, 1-based): chr11:62,433,891, C>A on the plus strand (G>T on the coding strand, the complement: AHNAK is on the minus strand). VCF-style: chr11-62433891-C-A. GRCh37 (hg19) VCF-style: chr11-62201363-C-A.
Other names: NC_000011.9:g.62201363C>A; short protein forms G148V.
Identifiers: ClinVar variation 3037297 (VCV003037297.3), dbSNP rs529615317, ClinGen allele CA6043538.